The following is an entry in ClinVar:

ClinVar aggregate classification (germline): Conflicting classifications of pathogenicity. Review status: criteria provided, conflicting classifications (1 of 4 stars). 2 submissions from 2 submitters: Uncertain significance (1); Likely benign (1). Last evaluated 2026-01-28.

Conditions:
Gastrointestinal stromal tumor. Also called: Gastrointestinal stromal tumor, somatic; Gastrointestinal stroma tumor. Identifiers: Orphanet 44890, MedGen C0238198, MeSH D046152, MONDO:0011719, OMIM 606764, HP:0100723.
Hereditary cancer-predisposing syndrome. Also called: Hereditary Cancer Syndrome; Tumor predisposition; Neoplastic Syndromes, Hereditary; Hereditary neoplastic syndrome. Identifiers: Orphanet 140162, MedGen C0027672, MeSH D009386, MONDO:0015356.

Allele frequency attached by ClinVar (database versions not stated): gnomAD exomes 0.00001 and 0.00002; ExAC 0.00002; gnomAD 0.00003; TOPMed 0.00005.
gnomAD v4.1: 16 of 1,611,920 alleles (0.00099%); highest among the groups gnomAD compares: Middle Eastern, 0.12%; no homozygotes.

Submissions (2):

Labcorp Genetics (formerly Invitae), Labcorp
Classification: Uncertain significance for Gastrointestinal stromal tumor. Last evaluated: 2026-01-28. Review status: criteria provided, single submitter. Criteria: Invitae Variant Classification Sherloc (09022015). Collection method: clinical testing. Allele origin: germline.
Comment: This sequence change replaces valine, which is neutral and non-polar, with isoleucine, which is neutral and non-polar, at codon 743 of the PDGFRA protein (p.Val743Ile). This variant is present in population databases (rs764957750, gnomAD 0.006%). This variant has not been reported in the literature in individuals affected with PDGFRA-related conditions. ClinVar contains an entry for this variant (Variation ID: 572973). Invitae Evidence Modeling of protein sequence and biophysical properties (such as structural, functional, and spatial information, amino acid conservation, physicochemical variation, residue mobility, and thermodynamic stability) has been performed for this missense variant. However, the output from this modeling did not meet the statistical confidence thresholds required to predict the impact of this variant on PDGFRA protein function. In summary, the available evidence is currently insufficient to determine the role of this variant in disease. Therefore, it has been classified as a Variant of Uncertain Significance.

Ambry Genetics
Classification: Likely benign for Hereditary cancer-predisposing syndrome. Last evaluated: 2024-10-28. Review status: criteria provided, single submitter. Criteria: Ambry Variant Classification Scheme 2023. Collection method: clinical testing. Allele origin: germline.

NM_006206.6(PDGFRA):c.2227G>A (p.Val743Ile)

Gene: PDGFRA (platelet derived growth factor receptor alpha; plus strand). Cytogenetic location: 4q12.
Variant type: single nucleotide variant.
Coding change: c.2227G>A on transcript NM_006206.6 (MANE Select); coding-DNA position 2227, G replaced by A.
Protein change: p.Val743Ile; replaces valine 743 with isoleucine.
Molecular consequence: missense variant.
Genome position (GRCh38, 1-based): chr4:54,280,386, G>A. VCF-style: chr4-54280386-G-A. GRCh37 (hg19) VCF-style: chr4-55146553-G-A.
Other names: c.2227G>A, p.Val743Ile (NM_001347827.2, NM_001347829.2); c.2302G>A, p.Val768Ile (NM_001347828.2); c.2266G>A, p.Val756Ile (NM_001347830.2); short protein forms V743I, V768I, V756I.
Identifiers: ClinVar variation 572973 (VCV000572973.11), dbSNP rs764957750, ClinGen allele CA2922791.